The following is an entry in ClinVar:

NM_001080453.3(INTS1):c.6442G>A (p.Ala2148Thr)

Gene: INTS1 (integrator complex subunit 1; minus strand). Cytogenetic location: 7p22.3.
Variant type: single nucleotide variant.
Coding change: c.6442G>A on transcript NM_001080453.3 (MANE Select); coding-DNA position 6442, G replaced by A.
Protein change: p.Ala2148Thr; replaces alanine 2148 with threonine.
Molecular consequence: missense variant.
Genome position (GRCh38, 1-based): chr7:1,470,861, C>T on the plus strand (G>A on the coding strand, the complement: INTS1 is on the minus strand). VCF-style: chr7-1470861-C-T. GRCh37 (hg19) VCF-style: chr7-1510497-C-T.
Other names: short protein forms A2148T.
Identifiers: ClinVar variation 3529370 (VCV003529370.2).

ClinVar aggregate classification (germline): Conflicting classifications of pathogenicity. Review status: criteria provided, conflicting classifications (1 of 4 stars). 2 submissions from 2 submitters: Uncertain significance (1); Likely benign (1). Last evaluated 2026-05-06.

Conditions:
INTS1-related disorder. Also called: INTS1-related condition.
Inborn genetic diseases. Identifiers: MedGen C0950123, MeSH D030342.

gnomAD v4.1: 26 of 1,591,046 alleles (0.0016%); highest among the groups gnomAD compares: Admixed American, 0.019%; no homozygotes.

Submissions (2):

PreventionGenetics, part of Exact Sciences
Classification: Uncertain significance for INTS1-related condition. Last evaluated: 2026-05-06. Review status: criteria provided, single submitter. Criteria: ACMG Guidelines, 2015. Collection method: clinical testing. Allele origin: germline.
Comment: The INTS1 c.6442G>A variant is predicted to result in the amino acid substitution p.Ala2148Thr. To our knowledge, this variant has not been reported in the literature. This variant is reported in 0.0097% of alleles in individuals of Latino descent in gnomAD. At this time, the clinical significance of this variant is uncertain due to the absence of conclusive functional and genetic evidence.

Ambry Genetics
Classification: Likely benign for Inborn genetic diseases. Last evaluated: 2024-09-02. Review status: criteria provided, single submitter. Criteria: Ambry Variant Classification Scheme 2023. Collection method: clinical testing. Allele origin: germline.